The following is an entry in ClinVar:

NM_001364905.1(LRBA):c.4736C>T (p.Thr1579Ile)

Gene: LRBA (LPS responsive beige-like anchor protein; minus strand). Cytogenetic location: 4q31.3.
Variant type: single nucleotide variant.
Coding change: c.4736C>T on transcript NM_001364905.1 (MANE Select); coding-DNA position 4736, C replaced by T.
Protein change: p.Thr1579Ile; replaces threonine 1579 with isoleucine.
Molecular consequence: missense variant.
Genome position (GRCh38, 1-based): chr4:150,828,615, G>A on the plus strand (C>T on the coding strand, the complement: LRBA is on the minus strand). VCF-style: chr4-150828615-G-A. GRCh37 (hg19) VCF-style: chr4-151749767-G-A.
Other names: c.4736C>T, p.Thr1579Ile (NM_001199282.3, NM_001367550.1, NM_006726.5); short protein forms T1579I.
Identifiers: ClinVar variation 1408409 (VCV001408409.6), dbSNP rs753822021, ClinGen allele CA3102654.

ClinVar aggregate classification (germline): Uncertain significance (1 of 4 stars; one submission).

Conditions:
Combined immunodeficiency due to LRBA deficiency. Also called: Common variable immunodeficiency 8, with autoimmunity. Identifiers: Orphanet 445018, MedGen C3553512, MONDO:0013863, OMIM 614700.

Allele frequency attached by ClinVar (database versions not stated): gnomAD exomes below 0.00001 and 0.00002; ExAC 0.00003.
gnomAD v4.1: 6 of 1,611,562 alleles (0.00037%); highest among the groups gnomAD compares: Non-Finnish European, 0.00051%; no homozygotes.

Submission:

Labcorp Genetics (formerly Invitae), Labcorp
Classification: Uncertain significance for Combined immunodeficiency due to LRBA deficiency. Last evaluated: 2022-08-23. Review status: criteria provided, single submitter. Criteria: Invitae Variant Classification Sherloc (09022015). Collection method: clinical testing. Allele origin: germline.
Comment: This sequence change replaces threonine, which is neutral and polar, with isoleucine, which is neutral and non-polar, at codon 1579 of the LRBA protein (p.Thr1579Ile). In summary, the available evidence is currently insufficient to determine the role of this variant in disease. Therefore, it has been classified as a Variant of Uncertain Significance. Algorithms developed to predict the effect of missense changes on protein structure and function are either unavailable or do not agree on the potential impact of this missense change (SIFT: "Deleterious"; PolyPhen-2: "Benign"; Align-GVGD: "Class C0"). ClinVar contains an entry for this variant (Variation ID: 1408409). This variant has not been reported in the literature in individuals affected with LRBA-related conditions. This variant is present in population databases (rs753822021, gnomAD 0.004%).